The following is an entry in ClinVar:

ClinVar aggregate classification (germline): Likely benign. Review status: criteria provided, multiple submitters, no conflicts (2 of 4 stars). 4 submissions from 4 submitters: Likely benign (4). Last evaluated 2025-11-16.

Conditions:
Hypertrophic cardiomyopathy. Also called: HYPERTROPHIC MYOCARDIOPATHY. Identifiers: Orphanet 217569, MedGen C0007194, MeSH D002312, MONDO:0005045, HP:0001639.
Cardiovascular phenotype. Identifiers: MedGen CN230736.
Cardiomyopathy (CMYO). Also called: Cardiomyopathies. Identifiers: Orphanet 167848, MedGen C0878544, MONDO:0004994, HP:0001638. Inheritance: Various modes of inheritance.

Allele frequency attached by ClinVar (database versions not stated): gnomAD exomes 0.00001 and 0.00004; TOPMed 0.00001; ExAC 0.00002; gnomAD 0.00003.
gnomAD v4.1: 20 of 1,612,208 alleles (0.0012%); highest among the groups gnomAD compares: East Asian, 0.0089%; no homozygotes.

Submissions (4):

Ambry Genetics
Classification: Likely benign for Cardiovascular phenotype. Last evaluated: 2025-11-16. Review status: criteria provided, single submitter. Criteria: Ambry Variant Classification Scheme 2023. Collection method: clinical testing. Allele origin: germline.

Labcorp Genetics (formerly Invitae), Labcorp
Classification: Likely benign for Hypertrophic cardiomyopathy. Last evaluated: 2025-10-26. Review status: criteria provided, single submitter. Criteria: Invitae Variant Classification Sherloc (09022015). Collection method: clinical testing. Allele origin: germline.

All of Us Research Program, National Institutes of Health
Classification: Likely benign for Hypertrophic cardiomyopathy. Last evaluated: 2023-04-03. Review status: criteria provided, single submitter. Criteria: ACMG Guidelines, 2015. Collection method: clinical testing. Allele origin: germline. Inheritance: Autosomal dominant inheritance. Observed: 1 variant allele, 1 heterozygote.
Comment: This study involves interpretation of variants in research participants for the purpose of population health screening. Participant phenotype was not available at the time of variant classification. Additional details can be found in publication PMID: 35346344, PMCID: PMC8962531

Color Diagnostics, LLC DBA Color Health
Classification: Likely benign for Cardiomyopathy. Last evaluated: 2019-06-13. Review status: criteria provided, single submitter. Criteria: ACMG Guidelines, 2015. Collection method: clinical testing. Allele origin: germline.

NM_000363.5(TNNI3):c.516C>T (p.His172=)

Gene: TNNI3 (troponin I3, cardiac type; minus strand). Cytogenetic location: 19q13.42.
Variant type: single nucleotide variant.
Coding change: c.516C>T on transcript NM_000363.5 (MANE Select); coding-DNA position 516, C replaced by T.
Protein change: p.His172=; no amino-acid change (histidine 172 retained).
Molecular consequence: synonymous variant.
Genome position (GRCh38, 1-based): chr19:55,154,063, G>A on the plus strand (C>T on the coding strand, the complement: TNNI3 is on the minus strand). VCF-style: chr19-55154063-G-A. GRCh37 (hg19) VCF-style: chr19-55665431-G-A.
Identifiers: ClinVar variation 924733 (VCV000924733.12), dbSNP rs764527627, ClinGen allele CA051692.